The following is an entry in ClinVar:

NM_005751.5(AKAP9):c.4253G>A (p.Gly1418Asp)

Gene: AKAP9 (A-kinase anchoring protein 9; plus strand). Cytogenetic location: 7q21.2.
Variant type: single nucleotide variant.
Coding change: c.4253G>A on transcript NM_005751.5 (MANE Select); coding-DNA position 4253, G replaced by A.
Protein change: p.Gly1418Asp; replaces glycine 1418 with aspartic acid.
Molecular consequence: missense variant.
Genome position (GRCh38, 1-based): chr7:92,031,519, G>A. VCF-style: chr7-92031519-G-A. GRCh37 (hg19) VCF-style: chr7-91660833-G-A.
Other names: c.4253G>A, p.Gly1418Asp (NM_147185.3); short protein forms G1418D.
Identifiers: ClinVar variation 360826 (VCV000360826.15), dbSNP rs374280470, ClinGen allele CA4336529.

ClinVar aggregate classification (germline): Conflicting classifications of pathogenicity. Review status: criteria provided, conflicting classifications (1 of 4 stars). 5 submissions from 5 submitters: Uncertain significance (3); Likely benign (2). Last evaluated 2025-06-06.

Conditions:
Cardiovascular phenotype. Identifiers: MedGen CN230736.
Long QT syndrome (LQTS). Identifiers: MedGen C0023976, MeSH D008133, MONDO:0002442. Disease mechanism: loss of function. Inheritance: Various modes of inheritance.
Long QT syndrome 11 (LQT11). Identifiers: Orphanet 101016, Orphanet 768, MedGen C2678483, MONDO:0012738, OMIM 611820.

Allele frequency attached by ClinVar (database versions not stated): gnomAD 0.00004; TOPMed 0.00005; gnomAD exomes 0.00007 and 0.00010; ExAC 0.00008; ESP Exome Variant Server 0.00008.
gnomAD v4.1: 103 of 1,609,604 alleles (0.0064%); highest among the groups gnomAD compares: Non-Finnish European, 0.0048%; 1 homozygote.

Submissions (5):

Labcorp Genetics (formerly Invitae), Labcorp
Classification: Uncertain significance for Long QT syndrome. Last evaluated: 2025-06-06. Review status: criteria provided, single submitter. Criteria: Invitae Variant Classification Sherloc (09022015). Collection method: clinical testing. Allele origin: germline.
Comment: This sequence change replaces glycine, which is neutral and non-polar, with aspartic acid, which is acidic and polar, at codon 1418 of the AKAP9 protein (p.Gly1418Asp). This variant is present in population databases (rs374280470, gnomAD 0.08%), and has an allele count higher than expected for a pathogenic variant. This variant has not been reported in the literature in individuals affected with AKAP9-related conditions. ClinVar contains an entry for this variant (Variation ID: 360826). An algorithm developed to predict the effect of missense changes on protein structure and function outputs the following: PolyPhen-2: "Benign". The aspartic acid amino acid residue is found in multiple mammalian species, which suggests that this missense change does not adversely affect protein function. In summary, the available evidence is currently insufficient to determine the role of this variant in disease. Therefore, it has been classified as a Variant of Uncertain Significance.

Blueprint Genetics
Classification: Likely benign. Last evaluated: 2024-11-07. Review status: criteria provided, single submitter. Criteria: ACMG Guidelines, 2015. Collection method: clinical testing. Allele origin: germline.

Ambry Genetics
Classification: Likely benign for Cardiovascular phenotype. Last evaluated: 2024-02-05. Review status: criteria provided, single submitter. Criteria: Ambry Variant Classification Scheme 2023. Collection method: clinical testing. Allele origin: germline.

Fulgent Genetics
Classification: Uncertain significance for Long QT syndrome 11. Last evaluated: 2021-09-01. Review status: criteria provided, single submitter. Criteria: ACMG Guidelines, 2015. Collection method: clinical testing. Allele origin: unknown.

Department of Pathology and Laboratory Medicine, Sinai Health System
Classification: Uncertain significance for long QT syndrome. Last evaluated: 2020-08-24. Review status: criteria provided, single submitter. Criteria: ACMG Guidelines, 2015. Collection method: research. Allele origin: germline.